The following is an entry in ClinVar:

ClinVar aggregate classification (germline): Uncertain significance (1 of 4 stars; one submission).

Submission:

GeneDx
Classification: Uncertain significance. Last evaluated: 2025-05-14. Review status: criteria provided, single submitter. Criteria: GeneDx Variant Classification Process June 2021. Collection method: clinical testing. Allele origin: germline.
Comment: Not observed at significant frequency in large population cohorts (gnomAD); In silico analysis supports that this missense variant has a deleterious effect on protein structure/function; Has not been previously published as pathogenic or benign to our knowledge

NM_014991.6(WDFY3):c.3622A>G (p.Ser1208Gly)

Gene: WDFY3 (WD repeat and FYVE domain containing 3; minus strand). Cytogenetic location: 4q21.23.
Variant type: single nucleotide variant.
Coding change: c.3622A>G on transcript NM_014991.6 (MANE Select); coding-DNA position 3622, A replaced by G.
Protein change: p.Ser1208Gly; replaces serine 1208 with glycine.
Molecular consequence: missense variant.
Genome position (GRCh38, 1-based): chr4:84,789,773, T>C on the plus strand (A>G on the coding strand, the complement: WDFY3 is on the minus strand). VCF-style: chr4-84789773-T-C. GRCh37 (hg19) VCF-style: chr4-85710926-T-C.
Other names: short protein forms S1208G.
Identifiers: ClinVar variation 3360065 (VCV003360065.2).
Genomic context (GRCh38, chr4:84,789,773, plus strand): 5'-CACATACACTTACCTTTACAGTGTTAACAAGCTGTCCATCAATATAAAGGGCTGCAGTAC[T>C]GTTTTTCAACATGCCTTTGCTCATTACCAGGACCAAATGATGCCACTGTCCCTCAATGAT-3'
Protein context (NP_055806.2, residues 1198-1218): LVMSKGMLKN[Ser1208Gly]TAALYIDGQL